The following is an entry in ClinVar:

ClinVar aggregate classification (germline): Pathogenic (1 of 4 stars; one submission).

Conditions:
Glycogen storage disease, type V (GSD5). Also called: PYGM DEFICIENCY; MCARDLE DISEASE; MUSCLE GLYCOGEN PHOSPHORYLASE DEFICIENCY; MYOPHOSPHORYLASE DEFICIENCY; McArdle type glycogen storage disease. Identifiers: Orphanet 368, MedGen C0017924, MONDO:0009293, OMIM 232600.

Submission:

Labcorp Genetics (formerly Invitae), Labcorp
Classification: Pathogenic for Glycogen storage disease, type V. Last evaluated: 2020-12-18. Review status: criteria provided, single submitter. Criteria: Invitae Variant Classification Sherloc (09022015). Collection method: clinical testing. Allele origin: germline.
Comment: This variant has not been reported in the literature in individuals with PYGM-related conditions. This variant is not present in population databases (ExAC no frequency). This sequence change creates a premature translational stop signal (p.Gln337*) in the PYGM gene. It is expected to result in an absent or disrupted protein product. Loss-of-function variants in PYGM are known to be pathogenic (PMID: 8316268, 16786513). For these reasons, this variant has been classified as Pathogenic.

Literature cited by the submitters: PubMed 8316268; PubMed 16786513.

NM_005609.4(PYGM):c.1009C>T (p.Gln337Ter)

Gene: PYGM (glycogen phosphorylase, muscle associated; minus strand). Cytogenetic location: 11q13.1.
Variant type: single nucleotide variant.
Coding change: c.1009C>T on transcript NM_005609.4 (MANE Select); coding-DNA position 1009, C replaced by T.
Protein change: p.Gln337Ter; replaces glutamine 337 with a stop codon.
Molecular consequence: nonsense.
Genome position (GRCh38, 1-based): chr11:64,754,336, G>A on the plus strand (C>T on the coding strand, the complement: PYGM is on the minus strand). VCF-style: chr11-64754336-G-A. GRCh37 (hg19) VCF-style: chr11-64521808-G-A.
Other names: c.745C>T, p.Gln249Ter (NM_001164716.1); short protein forms Q337*, Q249*.
Identifiers: ClinVar variation 1454148 (VCV001454148.6), dbSNP rs2135834746, ClinGen allele CA381177255.